The following is an entry in ClinVar:

ClinVar aggregate classification (germline): Uncertain significance (1 of 4 stars; one submission).

Conditions:
Familial thoracic aortic aneurysm and aortic dissection (TAAD). Also called: Thoracic aortic aneurysms and dissections. Identifiers: Orphanet 91387, MedGen C4707243, MONDO:0019625.

Submission:

Color Diagnostics, LLC DBA Color Health
Classification: Uncertain significance for Familial thoracic aortic aneurysm and aortic dissection. Last evaluated: 2025-08-04. Review status: criteria provided, single submitter. Criteria: ACMG Guidelines, 2015. Collection method: clinical testing. Allele origin: germline.
Comment: This missense variant replaces phenylalanine with serine at codon 580 of the COL3A1 protein. Computational prediction suggests that this variant may have deleterious impact on protein structure and function. To our knowledge, functional studies have not been reported for this variant. This variant has not been reported in individuals affected with COL3A1-related disorders in the literature. This variant has not been identified in the general population by the Genome Aggregation Database (gnomAD). The available evidence is insufficient to determine the role of this variant in disease conclusively. Therefore, this variant is classified as a Variant of Uncertain Significance.

NM_000090.4(COL3A1):c.1739T>C (p.Phe580Ser)

Gene: COL3A1 (collagen type III alpha 1 chain; plus strand). Cytogenetic location: 2q32.2.
Variant type: single nucleotide variant.
Coding change: c.1739T>C on transcript NM_000090.4 (MANE Select); coding-DNA position 1739, T replaced by C.
Protein change: p.Phe580Ser; replaces phenylalanine 580 with serine.
Molecular consequence: missense variant.
Genome position (GRCh38, 1-based): chr2:188,996,474, T>C. VCF-style: chr2-188996474-T-C. GRCh37 (hg19) VCF-style: chr2-189861200-T-C.
Other names: short protein forms F580S.
Identifiers: ClinVar variation 4759002 (VCV004759002.1).